The following is an entry in ClinVar:

NM_006361.6(HOXB13):c.850C>A (p.Pro284Thr)

Gene: HOXB13 (homeobox B13; minus strand). Cytogenetic location: 17q21.32.
Variant type: single nucleotide variant.
Coding change: c.850C>A on transcript NM_006361.6 (MANE Select); coding-DNA position 850, C replaced by A.
Protein change: p.Pro284Thr; replaces proline 284 with threonine.
Molecular consequence: missense variant.
Genome position (GRCh38, 1-based): chr17:48,726,795, G>T on the plus strand (C>A on the coding strand, the complement: HOXB13 is on the minus strand). VCF-style: chr17-48726795-G-T. GRCh37 (hg19) VCF-style: chr17-46804157-G-T.
Other names: short protein forms P284T.
Identifiers: ClinVar variation 2325388 (VCV002325388.3), dbSNP rs1196605977, ClinGen allele CA400105132.
Genomic context (GRCh38, chr17:48,726,795, plus strand): 5'-TGGTCTCCCCAGGACACCCCCACTTTCGCTCCTCCCACCCAGGCAAGGAGATCTCTTAAG[G>T]GGTAGCGCTGTTCTTCACCTTGGCGAGAACCTTCTTCTCTTTGACCCGGCGGTTCTGAAA-3'
Protein context (NP_006352.2, residues 274-284): VLAKVKNSAT[Pro284Thr]

ClinVar aggregate classification (germline): Uncertain significance. Review status: criteria provided, multiple submitters, no conflicts (2 of 4 stars). 2 submissions from 2 submitters: Uncertain significance (2). Last evaluated 2023-06-23.

Conditions:
Hereditary cancer-predisposing syndrome. Also called: Hereditary Cancer Syndrome; Hereditary neoplastic syndrome; Neoplastic Syndromes, Hereditary; Tumor predisposition. Identifiers: Orphanet 140162, MedGen C0027672, MeSH D009386, MONDO:0015356.

Submissions (2):

GeneDx
Classification: Uncertain significance. Last evaluated: 2023-06-23. Review status: criteria provided, single submitter. Criteria: GeneDx Variant Classification Process June 2021. Collection method: clinical testing. Allele origin: germline. Affected: yes.
Comment: Not observed at significant frequency in large population cohorts (gnomAD); In silico analysis supports that this missense variant does not alter protein structure/function; Has not been previously published as pathogenic or benign to our knowledge; This variant is associated with the following publications: (PMID: 19389631)

Ambry Genetics
Classification: Uncertain significance for Hereditary cancer-predisposing syndrome. Last evaluated: 2022-11-10. Review status: criteria provided, single submitter. Criteria: Ambry Variant Classification Scheme 2023. Collection method: clinical testing. Allele origin: germline.